The following is an entry in ClinVar:

NM_001854.4(COL11A1):c.898-193G>A

Gene: COL11A1 (collagen type XI alpha 1 chain; minus strand). Cytogenetic location: 1p21.1.
Variant type: single nucleotide variant.
Coding change: c.898-193G>A on transcript NM_001854.4 (MANE Select); 193 bases into the intron before coding-DNA position 898, G replaced by A.
Molecular consequence: intron variant. On other transcripts: synonymous variant (1).
Genome position (GRCh38, 1-based): chr1:103,025,806, C>T on the plus strand (G>A on the coding strand, the complement: COL11A1 is on the minus strand). VCF-style: chr1-103025806-C-T. GRCh37 (hg19) VCF-style: chr1-103491362-C-T.
Other names: c.927G>A, p.Gly309= (NM_080629.3); c.781-193G>A (NM_001190709.2); c.897+410G>A (NM_080630.4).
Identifiers: ClinVar variation 3035758 (VCV003035758.2), dbSNP rs768809597, ClinGen allele CA27712667.

ClinVar aggregate classification (germline): Likely benign (0 of 4 stars; one submission).

Conditions:
COL11A1-related disorder. Also called: COL11A1-related condition; COL11A1-related disorders.

Submission:

PreventionGenetics, part of Exact Sciences
Classification: Likely benign for COL11A1-related condition. Last evaluated: 2019-07-30. Review status: no assertion criteria provided. Collection method: clinical testing. Allele origin: germline.
Comment: This variant is classified as likely benign based on ACMG/AMP sequence variant interpretation guidelines (Richards et al. 2015 PMID: 25741868, with internal and published modifications).